The following is an entry in ClinVar:

ClinVar aggregate classification (germline): Uncertain significance. Review status: criteria provided, multiple submitters, no conflicts (2 of 4 stars). 3 submissions from 3 submitters: Uncertain significance (3). Last evaluated 2024-05-05.

Conditions:
Inborn genetic diseases. Identifiers: MedGen C0950123, MeSH D030342.
Congenital stationary night blindness 1A (CSNB1A). Also called: CSNB, COMPLETE, X-LINKED; HEMERALOPIA-MYOPIA; MYOPIA-NIGHT BLINDNESS; NIGHT BLINDNESS, CONGENITAL STATIONARY, WITH MYOPIA; NYX-Related X-Linked Congenital Stationary Night Blindness; Night blindness, congenital stationary (complete), 1A, X-linked. Identifiers: Orphanet 215, MedGen C3495587, MONDO:0010690, OMIM 310500.

gnomAD v4.1: 6 of 1,165,512 alleles (0.00051%); highest among the groups gnomAD compares: Admixed American, 0.01%; no homozygotes.

Submissions (3):

Labcorp Genetics (formerly Invitae), Labcorp
Classification: Uncertain significance. Last evaluated: 2024-05-05. Review status: criteria provided, single submitter. Criteria: Invitae Variant Classification Sherloc (09022015). Collection method: clinical testing. Allele origin: germline.
Comment: This sequence change replaces proline, which is neutral and non-polar, with leucine, which is neutral and non-polar, at codon 246 of the NYX protein (p.Pro246Leu). This variant is present in population databases (rs763017414, gnomAD 0.02%). This variant has not been reported in the literature in individuals affected with NYX-related conditions. ClinVar contains an entry for this variant (Variation ID: 914665). Advanced modeling of protein sequence and biophysical properties (such as structural, functional, and spatial information, amino acid conservation, physicochemical variation, residue mobility, and thermodynamic stability) performed at Invitae indicates that this missense variant is not expected to disrupt NYX protein function with a negative predictive value of 80%. In summary, the available evidence is currently insufficient to determine the role of this variant in disease. Therefore, it has been classified as a Variant of Uncertain Significance.

Ambry Genetics
Classification: Uncertain significance for Inborn genetic diseases. Last evaluated: 2024-01-30. Review status: criteria provided, single submitter. Criteria: Ambry Variant Classification Scheme 2023. Collection method: clinical testing. Allele origin: germline.

Illumina Laboratory Services, Illumina
Classification: Uncertain significance for Congenital stationary night blindness 1A. Last evaluated: 2018-01-13. Review status: criteria provided, single submitter. Criteria: ICSL Variant Classification Criteria 13 December 2019. Collection method: clinical testing. Allele origin: germline.

NM_001378477.3(NYX):c.722C>T (p.Pro241Leu)

Gene: NYX (nyctalopin; plus strand). Cytogenetic location: Xp11.4.
Variant type: single nucleotide variant.
Coding change: c.722C>T on transcript NM_001378477.3 (MANE Select); coding-DNA position 722, C replaced by T.
Protein change: p.Pro241Leu; replaces proline 241 with leucine.
Molecular consequence: missense variant.
Genome position (GRCh38, 1-based): chrX:41,474,190, C>T. VCF-style: chrX-41474190-C-T. GRCh37 (hg19) VCF-style: chrX-41333443-C-T.
Other names: c.722C>T, p.Pro241Leu (NM_022567.3); short protein forms P246L, P241L.
Identifiers: ClinVar variation 914665 (VCV000914665.9), dbSNP rs763017414, ClinGen allele CA10389846.